The following is an entry in ClinVar:

ClinVar aggregate classification (germline): Likely pathogenic (1 of 4 stars; one submission).

Conditions:
Palmoplantar keratoderma i, striate, focal, or diffuse. Also called: PALMOPLANTAR KERATODERMA I, STRIATE OR DIFFUSE; PALMOPLANTAR KERATODERMA I, FOCAL; KERATOSIS PALMOPLANTARIS STRIATA I; KERATODERMA, PALMOPLANTAR, STRIATE FORM I; STRIATE PALMOPLANTAR KERATODERMA I; Keratosis Palmoplantaris Striata I, AD. Identifiers: Orphanet 369999, Orphanet 370002, MedGen C2931122, MONDO:0007859, OMIM 148700.

Submission:

Foundation for Research in Genetics and Endocrinology, FRIGE's Institute of Human Genetics
Classification: Likely pathogenic for Palmoplantar keratoderma i, striate, focal, or diffuse. Last evaluated: 2025-02-12. Review status: criteria provided, single submitter. Criteria: ACMG Guidelines, 2015. Collection method: clinical testing. Allele origin: germline. Inheritance: Autosomal dominant inheritance. Affected: yes. Observed: 1 heterozygote.
Comment: A heterozygous 3’splice site variation in intron 7 of the DSG1 gene that affects the invariant AG acceptor splice site upstream of exon 8 was detected. The observed variant c.820-1G>C has not been reported in the 1000 genomes and gnomAD databases. The in silico prediction of the variant is damaging by MutationTaster. The reference codon is conserved across species. The variant has a CADD score of 33. In summary, the variant meets our criteria to be classified as likely pathogenic.

NM_001942.4(DSG1):c.820-1G>C

Gene: DSG1 (desmoglein 1; plus strand). Cytogenetic location: 18q12.1.
Variant type: single nucleotide variant.
Coding change: c.820-1G>C on transcript NM_001942.4 (MANE Select); the canonical splice acceptor site of the intron before coding-DNA position 820, G replaced by C.
Molecular consequence: splice acceptor variant.
Genome position (GRCh38, 1-based): chr18:31,334,016, G>C. VCF-style: chr18-31334016-G-C. GRCh37 (hg19) VCF-style: chr18-28913979-G-C.
Identifiers: ClinVar variation 3767301 (VCV003767301.2).